The following is an entry in ClinVar:

ClinVar aggregate classification (germline): Uncertain significance (1 of 4 stars; one submission).

Conditions:
Familial adenomatous polyposis 1 (FAP1). Also called: FAMILIAL ADENOMATOUS POLYPOSIS 1, ATTENUATED; POLYPOSIS, ADENOMATOUS INTESTINAL. Identifiers: MedGen C2713442, MONDO:0021056, OMIM 175100. Disease mechanism: loss of function.

Submission:

Labcorp Genetics (formerly Invitae), Labcorp
Classification: Uncertain significance for Familial adenomatous polyposis 1. Last evaluated: 2025-07-14. Review status: criteria provided, single submitter. Criteria: Invitae Variant Classification Sherloc (09022015). Collection method: clinical testing. Allele origin: germline.
Comment: This variant occurs in a non-coding region of the APC gene. It does not change the encoded amino acid sequence of the APC protein. This variant is not present in population databases (gnomAD no frequency). This variant has not been reported in the literature in individuals affected with APC-related conditions. ClinVar contains an entry for this variant (Variation ID: 645413). Experimental studies and prediction algorithms are not available or were not evaluated, and the functional significance of this variant is currently unknown. In summary, the available evidence is currently insufficient to determine the role of this variant in disease. Therefore, it has been classified as a Variant of Uncertain Significance.

NM_001127511.3(APC):c.39G>T (p.Leu13Phe)

Gene: APC (APC regulator of Wnt signaling pathway; plus strand). Cytogenetic location: 5q22.2.
Variant type: single nucleotide variant.
Coding change: c.39G>T on transcript NM_001127511.3; coding-DNA position 39, G replaced by T.
Protein change: p.Leu13Phe; replaces leucine 13 with phenylalanine.
Molecular consequence: missense variant. On other transcripts: 5 prime UTR variant (8), non-coding transcript variant (1), intron variant (5).
Genome position (GRCh38, 1-based): chr5:112,707,756, G>T. VCF-style: chr5-112707756-G-T. GRCh37 (hg19) VCF-style: chr5-112043453-G-T.
Other names: c.-145G>T (NM_001354895.2, NM_001407447.1, NM_001407452.1 and 3 more transcripts); c.39G>T, p.Leu13Phe (NM_001354897.2, NM_001354902.2, NM_001407446.1); c.-1180G>T (NM_001407470.1, NM_001407472.1); c.-19+107G>T (NM_001407448.1, NM_001407450.1, NM_001407457.1 and 1 more transcripts); c.-43+107G>T (NM_001407453.1); short protein forms L13F.
Identifiers: ClinVar variation 645413 (VCV000645413.9), dbSNP rs772953367, ClinGen allele CA360611719.